The following is an entry in ClinVar:

NM_001372.4(DNAH9):c.1796C>T (p.Pro599Leu)

Gene: DNAH9 (dynein axonemal heavy chain 9; plus strand). Cytogenetic location: 17p12.
Variant type: single nucleotide variant.
Coding change: c.1796C>T on transcript NM_001372.4 (MANE Select); coding-DNA position 1796, C replaced by T.
Protein change: p.Pro599Leu; replaces proline 599 with leucine.
Molecular consequence: missense variant.
Genome position (GRCh38, 1-based): chr17:11,640,279, C>T. VCF-style: chr17-11640279-C-T. GRCh37 (hg19) VCF-style: chr17-11543596-C-T.
Other names: short protein forms P599L.
Identifiers: ClinVar variation 774513 (VCV000774513.27), dbSNP rs141077864, ClinGen allele CA8394985.
Genomic context (GRCh38, chr17:11,640,279, plus strand): 5'-AGGACTGAGGTGCTCTAGACTCATTTCGGTCTGTCTGTGCCATGTCTCCAGGGTTCTCCC[C>T]GGTGCACAAGAACATGCCCACCGTGGCTGGCGGCCTCCGCTGGGCACAGGAGCTGAGGCA-3'
Protein context (NP_001363.2, residues 589-609): VQEEAELGFS[Pro599Leu]VHKNMPTVAG

ClinVar aggregate classification (germline): Benign/Likely benign. Review status: criteria provided, multiple submitters, no conflicts (2 of 4 stars). 4 submissions from 4 submitters: Benign (2); Likely benign (1). 1 of the submissions does not count toward it. Last evaluated 2026-08-01.

Conditions:
DNAH9-related disorder. Also called: DNAH9-related condition.

Allele frequency attached by ClinVar (database versions not stated): 1000 Genomes Project 0.00060; 1000 Genomes Project 30x 0.00062; ESP Exome Variant Server 0.00200; TOPMed 0.00202; gnomAD 0.00210 and 0.00212; ExAC 0.00225; gnomAD exomes 0.00237 and 0.00275.
gnomAD v4.1: 4,350 of 1,611,504 alleles (0.27%); highest among the groups gnomAD compares: Non-Finnish European, 0.3%; 7 homozygotes.

Submissions (4):

CeGaT Center for Human Genetics Tuebingen
Classification: Benign. Last evaluated: 2026-08-01. Review status: criteria provided, single submitter. Criteria: CeGaT Center For Human Genetics Tuebingen Variant Classification Criteria Version 2. Collection method: clinical testing. Allele origin: germline. Affected: yes. Observed: 3 variant alleles.
Comment: DNAH9: BP4, BS1, BS2

Labcorp Genetics (formerly Invitae), Labcorp
Classification: Benign. Last evaluated: 2026-02-02. Review status: criteria provided, single submitter. Criteria: Invitae Variant Classification Sherloc (09022015). Collection method: clinical testing. Allele origin: germline.

Blueprint Genetics
Classification: Likely benign. Last evaluated: 2024-11-27. Review status: criteria provided, single submitter. Criteria: ACMG Guidelines, 2015. Collection method: clinical testing. Allele origin: germline.

PreventionGenetics, part of Exact Sciences
Classification: Likely benign for DNAH9-related condition. Last evaluated: 2019-07-15. Review status: no assertion criteria provided. Collection method: clinical testing. Allele origin: germline. Not counted in ClinVar's aggregate classification.
Comment: This variant is classified as likely benign based on ACMG/AMP sequence variant interpretation guidelines (Richards et al. 2015 PMID: 25741868, with internal and published modifications).